The following is an entry in ClinVar:

ClinVar aggregate classification (germline): Likely benign (0 of 4 stars; one submission).

Conditions:
Chronic progressive multiple sclerosis. Identifiers: MedGen C0393665, MONDO:0005284.

gnomAD v4.1: 1 of 1,614,006 alleles (0.000062%); no homozygotes.

Submission:

Demyelinating Disease Laboratories, VA Medical Center and University of Tennessee
Classification: Likely benign. Review status: no assertion criteria provided. Collection method: not provided. Allele origin: somatic.
ClinVar note: Converted during submission from probable-non-pathogenic to Likely benign.

NM_031157.4(HNRNPA1):c.1097A>G (p.Tyr366Cys)

Gene: HNRNPA1 (heterogeneous nuclear ribonucleoprotein A1; plus strand). Cytogenetic location: 12q13.13.
Variant type: single nucleotide variant.
Coding change: c.1097A>G on transcript NM_031157.4 (MANE Select); coding-DNA position 1097, A replaced by G.
Protein change: p.Tyr366Cys; replaces tyrosine 366 with cysteine.
Molecular consequence: missense variant. On other transcripts: non-coding transcript variant (1).
Genome position (GRCh38, 1-based): chr12:54,284,291, A>G. VCF-style: chr12-54284291-A-G. GRCh37 (hg19) VCF-style: chr12-54678075-A-G.
Other names: c.941A>G, p.Tyr314Cys (NM_002136.4); short protein forms Y366C, Y314C.
Identifiers: ClinVar variation 135612 (VCV000135612.2), dbSNP rs483353041, ClinGen allele CA163095.